The following is an entry in ClinVar:

NM_144997.7(FLCN):c.1580G>T (p.Arg527Leu)

Gene: FLCN (folliculin; minus strand). Cytogenetic location: 17p11.2.
Variant type: single nucleotide variant.
Coding change: c.1580G>T on transcript NM_144997.7 (MANE Select); coding-DNA position 1580, G replaced by T.
Protein change: p.Arg527Leu; replaces arginine 527 with leucine.
Molecular consequence: missense variant.
Genome position (GRCh38, 1-based): chr17:17,213,815, C>A on the plus strand (G>T on the coding strand, the complement: FLCN is on the minus strand). VCF-style: chr17-17213815-C-A. GRCh37 (hg19) VCF-style: chr17-17117129-C-A.
Other names: c.1634G>T, p.Arg545Leu (NM_001353229.2); c.1580G>T, p.Arg527Leu (NM_001353230.2, NM_001353231.2); short protein forms R545L, R527L.
Identifiers: ClinVar variation 2566314 (VCV002566314.3), dbSNP rs777826268, ClinGen allele CA398530444.

ClinVar aggregate classification (germline): Uncertain significance (1 of 4 stars; one submission).

Conditions:
Hereditary cancer-predisposing syndrome. Also called: Neoplastic Syndromes, Hereditary; Hereditary Cancer Syndrome; Hereditary neoplastic syndrome; Tumor predisposition. Identifiers: Orphanet 140162, MedGen C0027672, MeSH D009386, MONDO:0015356.

Submission:

Ambry Genetics
Classification: Uncertain significance for Hereditary cancer-predisposing syndrome. Last evaluated: 2025-07-10. Review status: criteria provided, single submitter. Criteria: Ambry Variant Classification Scheme 2023. Collection method: clinical testing. Allele origin: germline.
Comment: The p.R527L variant (also known as c.1580G>T), located in coding exon 11 of the FLCN gene, results from a G to T substitution at nucleotide position 1580. The arginine at codon 527 is replaced by leucine, an amino acid with dissimilar properties. This amino acid position is highly conserved in available vertebrate species. In addition, the in silico prediction for this alteration is inconclusive. Based on the available evidence, the clinical significance of this variant remains unclear.